The following is an entry in ClinVar:

ClinVar aggregate classification (germline): Uncertain significance. Review status: criteria provided, multiple submitters, no conflicts (2 of 4 stars). 2 submissions from 2 submitters: Uncertain significance (2). Last evaluated 2025-01-21.

Conditions:
Catecholaminergic polymorphic ventricular tachycardia 1. Also called: RYR2-Related Catecholaminergic Polymorphic Ventricular Tachycardia; VENTRICULAR TACHYCARDIA, CATECHOLAMINERGIC POLYMORPHIC, 1, WITH OR WITHOUT ATRIAL DYSFUNCTION AND/OR DILATED CARDIOMYOPATHY; VENTRICULAR TACHYCARDIA, STRESS-INDUCED POLYMORPHIC 1. Identifiers: Orphanet 3286, MedGen C1631597, MONDO:0011484, OMIM 604772.

Allele frequency attached by ClinVar (database versions not stated): gnomAD exomes below 0.00001; TOPMed below 0.00001.
gnomAD v4.1: 4 of 1,606,896 alleles (0.00025%); highest among the groups gnomAD compares: Middle Eastern, 0.017%; no homozygotes.

Submissions (2):

Labcorp Genetics (formerly Invitae), Labcorp
Classification: Uncertain significance for Catecholaminergic polymorphic ventricular tachycardia 1. Last evaluated: 2025-01-21. Review status: criteria provided, single submitter. Criteria: Invitae Variant Classification Sherloc (09022015). Collection method: clinical testing. Allele origin: germline.
Comment: This sequence change replaces glutamine, which is neutral and polar, with arginine, which is basic and polar, at codon 2938 of the RYR2 protein (p.Gln2938Arg). This variant is not present in population databases (gnomAD no frequency). This variant has not been reported in the literature in individuals affected with RYR2-related conditions. ClinVar contains an entry for this variant (Variation ID: 1318500). Invitae Evidence Modeling of protein sequence and biophysical properties (such as structural, functional, and spatial information, amino acid conservation, physicochemical variation, residue mobility, and thermodynamic stability) indicates that this missense variant is not expected to disrupt RYR2 protein function with a negative predictive value of 95%. In summary, the available evidence is currently insufficient to determine the role of this variant in disease. Therefore, it has been classified as a Variant of Uncertain Significance.

GeneDx
Classification: Uncertain significance. Last evaluated: 2023-04-17. Review status: criteria provided, single submitter. Criteria: GeneDx Variant Classification Process June 2021. Collection method: clinical testing. Allele origin: germline. Affected: yes.
Comment: Not observed in large population cohorts (gnomAD); In silico analysis supports that this missense variant does not alter protein structure/function; Has not been previously published as pathogenic or benign to our knowledge; This variant is associated with the following publications: (PMID: 19926015)

NM_001035.3(RYR2):c.8813A>G (p.Gln2938Arg)

Gene: RYR2 (ryanodine receptor 2; plus strand). Cytogenetic location: 1q43.
Variant type: single nucleotide variant.
Coding change: c.8813A>G on transcript NM_001035.3 (MANE Select); coding-DNA position 8813, A replaced by G.
Protein change: p.Gln2938Arg; replaces glutamine 2938 with arginine.
Molecular consequence: missense variant.
Genome position (GRCh38, 1-based): chr1:237,674,829, A>G. VCF-style: chr1-237674829-A-G. GRCh37 (hg19) VCF-style: chr1-237838129-A-G.
Other names: short protein forms Q2938R.
Identifiers: ClinVar variation 1318500 (VCV001318500.6), dbSNP rs1685257592, ClinGen allele CA345403402.
Genomic context (GRCh38, chr1:237,674,829, plus strand): 5'-AGAAACGATTTGCCTATAGTTTCCTCCAACAACTCATTCGCTATGTGGATGAAGCCCATC[A>G]GTATATCCTGGAGTTTGGTAGGTACCATAGTCCCATTGCTAATAGCCCAGTGTTTGTTGT-3'
Protein context (NP_001026.2, residues 2928-2948): QLIRYVDEAH[Gln2938Arg]YILEFDGGSR